The following is an entry in ClinVar:

NM_017986.4(SLC52A1):c.1098A>C (p.Pro366=)

Gene: SLC52A1 (solute carrier family 52 member 1; minus strand). Cytogenetic location: 17p13.2.
Variant type: single nucleotide variant.
Coding change: c.1098A>C on transcript NM_017986.4 (MANE Select); coding-DNA position 1098, A replaced by C.
Protein change: p.Pro366=; no amino-acid change (proline 366 retained).
Molecular consequence: synonymous variant.
Genome position (GRCh38, 1-based): chr17:5,033,297, T>G on the plus strand (A>C on the coding strand, the complement: SLC52A1 is on the minus strand). VCF-style: chr17-5033297-T-G. GRCh37 (hg19) VCF-style: chr17-4936592-T-G.
Other names: c.1098A>C, p.Pro366= (NM_001104577.2).
Identifiers: ClinVar variation 3905212 (VCV003905212.10).

ClinVar aggregate classification (germline): Likely benign (1 of 4 stars; one submission).

Submission:

CeGaT Center for Human Genetics Tuebingen
Classification: Likely benign. Last evaluated: 2025-06-01. Review status: criteria provided, single submitter. Criteria: CeGaT Center For Human Genetics Tuebingen Variant Classification Criteria Version 2. Collection method: clinical testing. Allele origin: germline. Affected: yes. Observed: 1 variant allele.
Comment: SLC52A1: BP4, BP7